The following is an entry in ClinVar:

NM_006343.3(MERTK):c.1272C>G (p.His424Gln)

Gene: MERTK (MER proto-oncogene, tyrosine kinase; plus strand). Cytogenetic location: 2q13.
Variant type: single nucleotide variant.
Coding change: c.1272C>G on transcript NM_006343.3 (MANE Select); coding-DNA position 1272, C replaced by G.
Protein change: p.His424Gln; replaces histidine 424 with glutamine.
Molecular consequence: missense variant.
Genome position (GRCh38, 1-based): chr2:111,982,969, C>G. VCF-style: chr2-111982969-C-G. GRCh37 (hg19) VCF-style: chr2-112740546-C-G.
Other names: short protein forms H424Q.
Identifiers: ClinVar variation 1989723 (VCV001989723.2), dbSNP rs747244747, ClinGen allele CA1831310.

ClinVar aggregate classification (germline): Uncertain significance. Review status: criteria provided, multiple submitters, no conflicts (2 of 4 stars). 2 submissions from 2 submitters: Uncertain significance (2). Last evaluated 2024-08-28.

gnomAD v4.1: 9 of 1,613,968 alleles (0.00056%); highest among the groups gnomAD compares: East Asian, 0.016%; no homozygotes.

Submissions (2):

Blueprint Genetics
Classification: Uncertain significance. Last evaluated: 2024-08-28. Review status: criteria provided, single submitter. Criteria: ACMG Guidelines, 2015. Collection method: clinical testing. Allele origin: germline.

Labcorp Genetics (formerly Invitae), Labcorp
Classification: Uncertain significance. Last evaluated: 2022-05-20. Review status: criteria provided, single submitter. Criteria: Invitae Variant Classification Sherloc (09022015). Collection method: clinical testing. Allele origin: germline.
Comment: This sequence change replaces histidine, which is basic and polar, with glutamine, which is neutral and polar, at codon 424 of the MERTK protein (p.His424Gln). This variant is present in population databases (rs747244747, gnomAD 0.04%). This variant has not been reported in the literature in individuals affected with MERTK-related conditions. Algorithms developed to predict the effect of missense changes on protein structure and function are either unavailable or do not agree on the potential impact of this missense change (SIFT: "Deleterious"; PolyPhen-2: "Probably Damaging"; Align-GVGD: "Class C0"). Algorithms developed to predict the effect of sequence changes on RNA splicing suggest that this variant may create or strengthen a splice site. In summary, the available evidence is currently insufficient to determine the role of this variant in disease. Therefore, it has been classified as a Variant of Uncertain Significance.